The following is an entry in ClinVar:

ClinVar aggregate classification (germline): Uncertain significance (1 of 4 stars; one submission).

Conditions:
Maple syrup urine disease type 2 (MSUD2). Also called: Maple syrup urine disease, type II. Identifiers: MedGen C1855371, MONDO:0023693, OMIM 620699.

Submission:

Genome Sciences Centre, British Columbia Cancer Agency
Classification: Uncertain significance for Maple syrup urine disease type 2. Review status: criteria provided, single submitter. Criteria: ACMG Guidelines, 2015. Collection method: research. Allele origin: biparental. Inheritance: Autosomal recessive inheritance. Affected: yes. Observed: 1 variant allele, 1 homozygote.
Comment: No data is available from control populations to assess the frequency of this variant. RNA sequencing demonstrated that this variant introduced a new exon into the transcript, likely resulting in nonsense mediated decay of the protein.

NM_001918.5(DBT):c.434-459C>G

Gene: DBT (dihydrolipoamide branched chain transacylase E2; minus strand). Cytogenetic location: 1p21.2.
Variant type: single nucleotide variant.
Coding change: c.434-459C>G on transcript NM_001918.5 (MANE Select); 459 bases into the intron before coding-DNA position 434, C replaced by G.
Molecular consequence: intron variant.
Genome position (GRCh38, 1-based): chr1:100,219,206, G>C on the plus strand (C>G on the coding strand, the complement: DBT is on the minus strand). VCF-style: chr1-100219206-G-C. GRCh37 (hg19) VCF-style: chr1-100684762-G-C.
Other names: c.-110-459C>G (NM_001399972.1, NM_001399969.1).
Identifiers: ClinVar variation 5020080 (VCV005020080.1).